The following is an entry in ClinVar:

ClinVar aggregate classification (germline): Benign (1 of 4 stars; one submission).

Submission:

CeGaT Center for Human Genetics Tuebingen
Classification: Benign. Last evaluated: 2023-07-01. Review status: criteria provided, single submitter. Criteria: CeGaT Center For Human Genetics Tuebingen Variant Classification Criteria Version 2. Collection method: clinical testing. Allele origin: germline. Affected: yes. Observed: 5 variant alleles.
Comment: GRID2: BS1, BS2

NM_001510.4(GRID2):c.244+232466_244+232475dup

Gene: GRID2 (glutamate ionotropic receptor delta type subunit 2; plus strand). Cytogenetic location: 4q22.2.
Variant type: Duplication.
Coding change: c.244+232466_244+232475dup on transcript NM_001510.4 (MANE Select); bases 232466 to 232475 of the intron after coding-DNA position 244, 10 bases duplicated (CAGGGCATGC; older notation c.244+232466_244+232475dupCAGGGCATGC).
Molecular consequence: intron variant.
Genome position (GRCh38, 1-based): chr4:92,822,752-92,822,761, CAGGGCATGC duplicated; duplicating any 10 consecutive bases within chr4:92,822,751-92,822,761 gives the same sequence; the c. name uses the placement nearest the transcript's 3' end. VCF-style (leftmost placement, unchanged base first): chr4-92822750-T-TCCAGGGCATG. GRCh37 (hg19) VCF-style: chr4-93743901-T-TCCAGGGCATG.
Other names: c.244+232466_244+232475dup (NM_001286838.1).
Identifiers: ClinVar variation 2571209 (VCV002571209.27), dbSNP rs543784712, ClinGen allele CA102063896.